The following is an entry in ClinVar:

NM_007078.3(LDB3):c.892T>A (p.Ser298Thr)

Gene: LDB3 (LIM domain binding 3; plus strand). Cytogenetic location: 10q23.2.
Variant type: single nucleotide variant.
Coding change: c.892T>A on transcript NM_007078.3 (MANE Select); coding-DNA position 892, T replaced by A.
Protein change: p.Ser298Thr; replaces serine 298 with threonine.
Molecular consequence: missense variant.
Genome position (GRCh38, 1-based): chr10:86,692,567, T>A. VCF-style: chr10-86692567-T-A. GRCh37 (hg19) VCF-style: chr10-88452324-T-A.
Other names: c.751T>A, p.Ser251Thr (NM_001080114.2, NM_001080116.1, NM_001368066.1 and 2 more transcripts); c.892T>A, p.Ser298Thr (NM_001080115.2, NM_001368063.1, NM_001368064.1 and 1 more transcripts); c.1096T>A, p.Ser366Thr (NM_001171610.2, NM_001171611.2); short protein forms S366T, S251T, S298T.
Identifiers: ClinVar variation 1765156 (VCV001765156.2), dbSNP rs953198544, ClinGen allele CA377443652.

ClinVar aggregate classification (germline): Uncertain significance (1 of 4 stars; one submission).

Conditions:
Cardiovascular phenotype. Identifiers: MedGen CN230736.

Submission:

Ambry Genetics
Classification: Uncertain significance for Cardiovascular phenotype. Last evaluated: 2019-07-31. Review status: criteria provided, single submitter. Criteria: Ambry Variant Classification Scheme 2023. Collection method: clinical testing. Allele origin: germline.
Comment: The p.S298T variant (also known as c.892T>A), located in coding exon 6 of the LDB3 gene, results from a T to A substitution at nucleotide position 892. The serine at codon 298 is replaced by threonine, an amino acid with similar properties. This amino acid position is well conserved in available vertebrate species. In addition, the in silico prediction for this alteration is inconclusive. Since supporting evidence is limited at this time, the clinical significance of this alteration remains unclear.